The following is an entry in ClinVar:

NM_005476.7(GNE):c.*2576A>G

Gene: GNE (glucosamine (UDP-N-acetyl)-2-epimerase/N-acetylmannosamine kinase; minus strand). Cytogenetic location: 9p13.3.
Variant type: single nucleotide variant.
Coding change: c.*2576A>G on transcript NM_005476.7 (MANE Select); 2576 bases downstream of the stop codon, A replaced by G.
Molecular consequence: 3 prime UTR variant.
Genome position (GRCh38, 1-based): chr9:36,214,789, T>C on the plus strand (A>G on the coding strand, the complement: GNE is on the minus strand). VCF-style: chr9-36214789-T-C. GRCh37 (hg19) VCF-style: chr9-36214786-T-C.
Other names: c.*2576A>G (NM_001128227.3, NM_001190383.3, NM_001190384.3 and 3 more transcripts).
Identifiers: ClinVar variation 366800 (VCV000366800.6), dbSNP rs531142218, ClinGen allele CA10627314.
Genomic context (GRCh38, chr9:36,214,789, plus strand): 5'-ACATTATCTCACCCCAGACTCAGAAACTGAGCAGCCAAGCTTCCTTCCCAGGAATCACCA[T>C]GGAATGTCTGAACAATAACCAGGCCCTGGAGATTACTGCAGGGCTGGCAGAGTTTTAGGA-3'

ClinVar aggregate classification (germline): Likely benign (1 of 4 stars; one submission).

Conditions:
Sialuria. Also called: SIALURIA, FRENCH TYPE; Sialic Acid Storage Disease. Identifiers: Orphanet 3166, MedGen C0342853, MONDO:0010028, OMIM 269921.

Allele frequency attached by ClinVar (database versions not stated): 1000 Genomes Project 0.00040; 1000 Genomes Project 30x 0.00047; gnomAD 0.00056 and 0.00063; TOPMed 0.00074.

Submission:

Illumina Laboratory Services, Illumina
Classification: Likely benign for Sialuria. Last evaluated: 2017-04-27. Review status: criteria provided, single submitter. Criteria: ICSL Variant Classification Criteria 13 December 2019. Collection method: clinical testing. Allele origin: germline.
Comment: This variant was observed as part of a predisposition screen in an ostensibly healthy population. A literature search was performed for the gene, cDNA change, and amino acid change (where applicable). No publications were found based on this search. Allele frequency data from public databases allowed determination this variant is unlikely to cause disease. Therefore, this variant is classified as likely benign.